The following is an entry in ClinVar:

ClinVar aggregate classification (germline): Uncertain significance (1 of 4 stars; one submission).

Conditions:
Myofibrillar myopathy 5. Also called: Filaminopathy (type); FILAMINOPATHY, AUTOSOMAL DOMINANT. Identifiers: Orphanet 171445, MedGen C1836050, MONDO:0012289, OMIM 609524.
Distal myopathy with posterior leg and anterior hand involvement. Also called: WILLIAMS DISTAL MYOPATHY. Identifiers: Orphanet 63273, MedGen C3279722, MONDO:0013550, OMIM 614065.
Hypertrophic cardiomyopathy 26. Also called: Cardiomyopathy, familial hypertrophic, 26. Identifiers: Orphanet 75249, MedGen C4310749, MONDO:0014883, OMIM 617047.

Submission:

Labcorp Genetics (formerly Invitae), Labcorp
Classification: Uncertain significance for Distal myopathy with posterior leg and anterior hand involvement; Myofibrillar myopathy 5; Hypertrophic cardiomyopathy 26. Last evaluated: 2022-01-12. Review status: criteria provided, single submitter. Criteria: Invitae Variant Classification Sherloc (09022015). Collection method: clinical testing. Allele origin: germline.
Comment: In summary, the available evidence is currently insufficient to determine the role of this variant in disease. Therefore, it has been classified as a Variant of Uncertain Significance. Algorithms developed to predict the effect of missense changes on protein structure and function (SIFT, PolyPhen-2, Align-GVGD) all suggest that this variant is likely to be tolerated. ClinVar contains an entry for this variant (Variation ID: 945616). This variant has not been reported in the literature in individuals affected with FLNC-related conditions. This variant is not present in population databases (gnomAD no frequency). This sequence change replaces arginine, which is basic and polar, with glycine, which is neutral and non-polar, at codon 1370 of the FLNC protein (p.Arg1370Gly).

NM_001458.5(FLNC):c.4108C>G (p.Arg1370Gly)

Gene: FLNC (filamin C; plus strand). Cytogenetic location: 7q32.1.
Variant type: single nucleotide variant.
Coding change: c.4108C>G on transcript NM_001458.5 (MANE Select); coding-DNA position 4108, C replaced by G.
Protein change: p.Arg1370Gly; replaces arginine 1370 with glycine.
Molecular consequence: missense variant.
Genome position (GRCh38, 1-based): chr7:128,846,444, C>G. VCF-style: chr7-128846444-C-G. GRCh37 (hg19) VCF-style: chr7-128486498-C-G.
Other names: c.4108C>G, p.Arg1370Gly (NM_001127487.2); short protein forms R1370G.
Identifiers: ClinVar variation 945616 (VCV000945616.10), dbSNP rs1342121466, ClinGen allele CA369199128.